The following is an entry in ClinVar:

NM_000051.4(ATM):c.5093dup (p.Ala1699fs)

Gene: ATM (ATM serine/threonine kinase; plus strand). Cytogenetic location: 11q22.3.
Variant type: Duplication.
Coding change: c.5093dup on transcript NM_000051.4 (MANE Select); coding-DNA position 5093, one base duplicated (A; older notation c.5093dupA).
Protein change: p.Ala1699fs; shifts the reading frame from alanine 1699.
Molecular consequence: frameshift variant.
Genome position (GRCh38, 1-based): chr11:108,299,801, A duplicated; the last of 2 consecutive A bases (chr11:108,299,800-108,299,801); duplicating either gives the same sequence. VCF-style (leftmost placement, unchanged base first): chr11-108299799-C-CA. GRCh37 (hg19) VCF-style: chr11-108170526-C-CA.
Other names: c.5093dup, p.Ala1699fs (NM_001351834.2); c.5093dupA (NM_000051.3); short protein forms A1699fs.
Identifiers: ClinVar variation 1745288 (VCV001745288.2), dbSNP rs2546964838, ClinGen allele CA2580082987.

ClinVar aggregate classification (germline): Pathogenic (1 of 4 stars; one submission).

Conditions:
Hereditary cancer-predisposing syndrome. Also called: Hereditary Cancer Syndrome; Neoplastic Syndromes, Hereditary; Tumor predisposition; Hereditary neoplastic syndrome. Identifiers: Orphanet 140162, MedGen C0027672, MeSH D009386, MONDO:0015356.

Submission:

Ambry Genetics
Classification: Pathogenic for Hereditary cancer-predisposing syndrome. Last evaluated: 2021-02-26. Review status: criteria provided, single submitter. Criteria: Ambry Variant Classification Scheme 2023. Collection method: clinical testing. Allele origin: germline.
Comment: The c.5093dupA pathogenic mutation, located in coding exon 33 of the ATM gene, results from a duplication of A at nucleotide position 5093, causing a translational frameshift with a predicted alternate stop codon (p.A1699Gfs*3). This alteration is expected to result in loss of function by premature protein truncation or nonsense-mediated mRNA decay. As such, this alteration is interpreted as a disease-causing mutation.